The following is an entry in ClinVar:

NM_052859.4(RFT1):c.634A>G (p.Lys212Glu)

Gene: RFT1 (RFT1 glycolipid translocator homolog; minus strand). Cytogenetic location: 3p21.1.
Variant type: single nucleotide variant.
Coding change: c.634A>G on transcript NM_052859.4 (MANE Select); coding-DNA position 634, A replaced by G.
Protein change: p.Lys212Glu; replaces lysine 212 with glutamic acid.
Molecular consequence: missense variant.
Genome position (GRCh38, 1-based): chr3:53,119,946, T>C on the plus strand (A>G on the coding strand, the complement: RFT1 is on the minus strand). VCF-style: chr3-53119946-T-C. GRCh37 (hg19) VCF-style: chr3-53153962-T-C.
Other names: short protein forms K212E.
Identifiers: ClinVar variation 2128606 (VCV002128606.4), dbSNP rs2470998974, ClinGen allele CA353220436.

ClinVar aggregate classification (germline): Uncertain significance (1 of 4 stars; one submission).

Conditions:
RFT1-congenital disorder of glycosylation (CDG1N). Also called: Congenital disorder of glycosylation type In; CDG In; RFT1-CDG. Identifiers: Orphanet 244310, MedGen C2677590, MONDO:0012783, OMIM 612015.

Submission:

Labcorp Genetics (formerly Invitae), Labcorp
Classification: Uncertain significance for RFT1-congenital disorder of glycosylation. Last evaluated: 2022-04-20. Review status: criteria provided, single submitter. Criteria: Invitae Variant Classification Sherloc (09022015). Collection method: clinical testing. Allele origin: germline.
Comment: This sequence change replaces lysine, which is basic and polar, with glutamic acid, which is acidic and polar, at codon 212 of the RFT1 protein (p.Lys212Glu). This variant is not present in population databases (gnomAD no frequency). This variant has not been reported in the literature in individuals affected with RFT1-related conditions. Algorithms developed to predict the effect of missense changes on protein structure and function (SIFT, PolyPhen-2, Align-GVGD) all suggest that this variant is likely to be tolerated. In summary, the available evidence is currently insufficient to determine the role of this variant in disease. Therefore, it has been classified as a Variant of Uncertain Significance.